The following is an entry in ClinVar:

NM_199420.4(POLQ):c.907T>C (p.Tyr303His)

Gene: POLQ (DNA polymerase theta; minus strand). Cytogenetic location: 3q13.33.
Variant type: single nucleotide variant.
Coding change: c.907T>C on transcript NM_199420.4 (MANE Select); coding-DNA position 907, T replaced by C.
Protein change: p.Tyr303His; replaces tyrosine 303 with histidine.
Molecular consequence: missense variant.
Genome position (GRCh38, 1-based): chr3:121,533,043, A>G on the plus strand (T>C on the coding strand, the complement: POLQ is on the minus strand). VCF-style: chr3-121533043-A-G. GRCh37 (hg19) VCF-style: chr3-121251890-A-G.
Other names: short protein forms Y303H.
Identifiers: ClinVar variation 2625801 (VCV002625801.2), dbSNP rs2048422837, ClinGen allele CA354126006.

ClinVar aggregate classification (germline): Uncertain significance (1 of 4 stars; one submission).

Allele frequency attached by ClinVar (database versions not stated): TOPMed 0.00001.

Submission:

Ambry Genetics
Classification: Uncertain significance. Last evaluated: 2023-06-17. Review status: criteria provided, single submitter. Criteria: Ambry Variant Classification Scheme 2023. Collection method: clinical testing. Allele origin: germline.
Comment: The p.Y303H variant (also known as c.907T>C), located in coding exon 6 of the POLQ gene, results from a T to C substitution at nucleotide position 907. The tyrosine at codon 303 is replaced by histidine, an amino acid with similar properties. This amino acid position is conserved. In addition, the in silico prediction for this alteration is inconclusive. Since supporting evidence is limited at this time, the clinical significance of this alteration remains unclear.